The following is an entry in ClinVar:

NM_000455.5(STK11):c.374+9T>A

Gene: STK11 (serine/threonine kinase 11; plus strand). Cytogenetic location: 19p13.3.
Variant type: single nucleotide variant.
Coding change: c.374+9T>A on transcript NM_000455.5 (MANE Select); 9 bases into the intron after coding-DNA position 374, T replaced by A.
Molecular consequence: intron variant.
Genome position (GRCh38, 1-based): chr19:1,218,509, T>A. VCF-style: chr19-1218509-T-A. GRCh37 (hg19) VCF-style: chr19-1218508-T-A.
Identifiers: ClinVar variation 215737 (VCV000215737.29), dbSNP rs762297795, ClinGen allele CA047373.

ClinVar aggregate classification (germline): Conflicting classifications of pathogenicity. Review status: criteria provided, conflicting classifications (1 of 4 stars). 12 submissions from 12 submitters: Uncertain significance (1); Likely benign (10). 1 of the submissions does not count toward it. Last evaluated 2025-12-29.

Conditions:
STK11-related disorder. Also called: STK11-related condition.
Hereditary cancer-predisposing syndrome. Also called: Tumor predisposition; Hereditary Cancer Syndrome; Neoplastic Syndromes, Hereditary; Hereditary neoplastic syndrome. Identifiers: Orphanet 140162, MedGen C0027672, MeSH D009386, MONDO:0015356.
Peutz-Jeghers syndrome (PJS). Also called: POLYPOSIS, HAMARTOMATOUS INTESTINAL; POLYPS-AND-SPOTS SYNDROME; Peutz-Jeghers polyposis; Periorificial lentiginosis syndrome. Identifiers: Orphanet 2869, MedGen C0031269, MeSH D010580, MONDO:0008280, OMIM 175200.

Allele frequency attached by ClinVar (database versions not stated): gnomAD exomes 0.00001; ExAC 0.00002; TOPMed 0.00002; gnomAD 0.00003.
gnomAD v4.1: 20 of 1,612,682 alleles (0.0012%); highest among the groups gnomAD compares: Non-Finnish European, 0.0016%; no homozygotes.

Submissions (12):

Center for Genomic Medicine, Rigshospitalet, Copenhagen University Hospital
Classification: Likely benign. Last evaluated: 2025-12-29. Review status: criteria provided, single submitter. Criteria: ACMG Guidelines, 2015. Collection method: clinical testing. Allele origin: germline.

Labcorp Genetics (formerly Invitae), Labcorp
Classification: Likely benign for Peutz-Jeghers syndrome. Last evaluated: 2025-10-25. Review status: criteria provided, single submitter. Criteria: Invitae Variant Classification Sherloc (09022015). Collection method: clinical testing. Allele origin: germline.

Myriad Genetics, Inc.
Classification: Likely benign for Peutz-Jeghers syndrome. Last evaluated: 2025-03-25. Review status: criteria provided, single submitter. Criteria: Myriad Autosomal Dominant, Autosomal Recessive and X-Linked Classification Criteria (2023). Collection method: clinical testing. Allele origin: unknown.
Comment: This variant is considered likely benign. This variant is intronic and is not expected to impact mRNA splicing.

Color Diagnostics, LLC DBA Color Health
Classification: Likely benign for Hereditary cancer-predisposing syndrome. Last evaluated: 2024-06-04. Review status: criteria provided, single submitter. Criteria: ACMG Guidelines, 2015. Collection method: clinical testing. Allele origin: germline.

Institute for Biomarker Research, Medical Diagnostic Laboratories, L.L.C.
Classification: Likely benign for Hereditary cancer-predisposing syndrome. Last evaluated: 2024-03-22. Review status: criteria provided, single submitter. Criteria: ACMG Guidelines, 2015. Collection method: clinical testing. Allele origin: germline.

Genome-Nilou Lab
Classification: Likely benign for Peutz-Jeghers syndrome. Last evaluated: 2021-07-15. Review status: criteria provided, single submitter. Criteria: ACMG Guidelines, 2015. Collection method: clinical testing. Allele origin: germline. Affected: no.

Department of Pathology and Laboratory Medicine, Sinai Health System
Classification: Likely benign for Peutz-Jeghers syndrome. Last evaluated: 2020-03-24. Review status: criteria provided, single submitter. Criteria: ACMG Guidelines, 2015. Collection method: clinical testing. Allele origin: germline. Affected: yes.

Quest Diagnostics Nichols Institute San Juan Capistrano
Classification: Likely benign. Last evaluated: 2020-02-28. Review status: criteria provided, single submitter. Criteria: Quest Diagnostics criteria. Collection method: clinical testing. Allele origin: unknown.

Mendelics
Classification: Likely benign for Peutz-Jeghers syndrome. Last evaluated: 2019-05-28. Review status: criteria provided, single submitter. Criteria: Mendelics Assertion Criteria 2017. Collection method: clinical testing. Allele origin: unknown.

Illumina Laboratory Services, Illumina
Classification: Uncertain significance for Peutz-Jeghers syndrome. Last evaluated: 2018-01-12. Review status: criteria provided, single submitter. Criteria: ICSL Variant Classification Criteria 13 December 2019. Collection method: clinical testing. Allele origin: germline.

GeneDx
Classification: Likely benign. Last evaluated: 2017-02-10. Review status: criteria provided, single submitter. Criteria: GeneDx Variant Classification (06012015). Collection method: clinical testing. Allele origin: germline. Affected: yes.
Comment: This variant is considered likely benign or benign based on one or more of the following criteria: it is a conservative change, it occurs at a poorly conserved position in the protein, it is predicted to be benign by multiple in silico algorithms, and/or has population frequency not consistent with disease.

PreventionGenetics, part of Exact Sciences
Classification: Likely benign for STK11-related condition. Last evaluated: 2019-03-27. Review status: no assertion criteria provided. Collection method: clinical testing. Allele origin: germline. Not counted in ClinVar's aggregate classification.
Comment: This variant is classified as likely benign based on ACMG/AMP sequence variant interpretation guidelines (Richards et al. 2015 PMID: 25741868, with internal and published modifications).